The following is an entry in ClinVar:

ClinVar aggregate classification (germline): Pathogenic (1 of 4 stars; one submission).

Conditions:
Hereditary thrombocytopenia and hematological cancer predisposition syndrome associated with RUNX1. Also called: PLATELET DISORDER, ASPIRIN-LIKE; RUNX1 Familial Platelet Disorder with Associated Myeloid Malignancies; Familial Platelet Disorder with Propensity to Acute Myelogenous Leukemia; Familial thrombocytopenia with propensity to acute myelogenous leukemia. Identifiers: Orphanet 71290, MedGen C1832388, MeSH C563324, MONDO:0100083, OMIM 601399.

Submission:

ISTH-SSC Genomics in Thrombosis and Hemostasis, KU Leuven, Center for Molecular and Vascular Biology
Classification: Pathogenic for Hereditary thrombocytopenia and hematological cancer predisposition syndrome associated with RUNX1. Review status: criteria provided, single submitter. Criteria: ACMG Guidelines, 2015. Collection method: research. Allele origin: unknown. Inheritance: Autosomal recessive inheritance. Affected: yes.
Comment: Gold Variant submitter: Neil Morgan, Birmingham Platelet Group, Birmingham, UK

Literature cited by the submitters: PubMed 34355501.

Single allele

Gene: RUNX1 (RUNX family transcription factor 1; minus strand). Cytogenetic location: 21q22.12.
Variant type: Deletion.
Identifiers: ClinVar variation 1333011 (VCV001333011.2).